The following is an entry in ClinVar:

ClinVar aggregate classification (germline): Uncertain significance (1 of 4 stars; one submission).

Submission:

GeneDx
Classification: Uncertain significance. Last evaluated: 2019-08-28. Review status: criteria provided, single submitter. Criteria: GeneDx Variant Classification Process June 2021. Collection method: clinical testing. Allele origin: germline. Affected: yes.
Comment: Not observed in large population cohorts (Lek et al., 2016); In silico analysis, which includes protein predictors and evolutionary conservation, supports a deleterious effect; Has not been previously published as pathogenic or benign to our knowledge

NM_003108.4(SOX11):c.1251C>G (p.Cys417Trp)

Gene: SOX11 (SRY-box transcription factor 11; plus strand). Cytogenetic location: 2p25.2.
Variant type: single nucleotide variant.
Coding change: c.1251C>G on transcript NM_003108.4 (MANE Select); coding-DNA position 1251, C replaced by G.
Protein change: p.Cys417Trp; replaces cysteine 417 with tryptophan.
Molecular consequence: missense variant.
Genome position (GRCh38, 1-based): chr2:5,693,972, C>G. VCF-style: chr2-5693972-C-G. GRCh37 (hg19) VCF-style: chr2-5834104-C-G.
Other names: short protein forms C417W.
Identifiers: ClinVar variation 1308181 (VCV001308181.2), dbSNP rs1665685224, ClinGen allele CA345868472.